The following is an entry in ClinVar:

NM_000540.3(RYR1):c.4164C>G (p.Phe1388Leu)

Gene: RYR1 (ryanodine receptor 1; plus strand). Cytogenetic location: 19q13.2.
Variant type: single nucleotide variant.
Coding change: c.4164C>G on transcript NM_000540.3 (MANE Select); coding-DNA position 4164, C replaced by G.
Protein change: p.Phe1388Leu; replaces phenylalanine 1388 with leucine.
Molecular consequence: missense variant.
Genome position (GRCh38, 1-based): chr19:38,475,321, C>G. VCF-style: chr19-38475321-C-G. GRCh37 (hg19) VCF-style: chr19-38965961-C-G.
Other names: c.4164C>G, p.Phe1388Leu (NM_001042723.2); short protein forms F1388L.
Identifiers: ClinVar variation 3072470 (VCV003072470.4), dbSNP rs1260393796, ClinGen allele CA405644114.

ClinVar aggregate classification (germline): Uncertain significance. Review status: criteria provided, multiple submitters, no conflicts (2 of 4 stars). 2 submissions from 2 submitters: Uncertain significance (2). Last evaluated 2024-05-14.

Conditions:
Malignant hyperthermia, susceptibility to, 1 (MHS1). Also called: Anesthesia related hyperthermia; Malignant hyperpyrexia; Fulminating hyperpyrexia; Pharmacogenic myopathy; RYR1-Related Malignant Hyperthermia Susceptibility; Malignant hyperthermia suceptibility 1. Identifiers: Orphanet 423, MedGen C2930980, MONDO:0007783, OMIM 145600.
RYR1-related disorder. Also called: RYR1-related condition; RYR1-related disorders. Identifiers: MedGen CN239331.

Allele frequency attached by ClinVar (database versions not stated): gnomAD exomes below 0.00001; gnomAD 0.00001; TOPMed 0.00001.
gnomAD v4.1: 2 of 1,585,104 alleles (0.00013%); highest among the groups gnomAD compares: Admixed American, 0.0036%; no homozygotes.

Submissions (2):

Labcorp Genetics (formerly Invitae), Labcorp
Classification: Uncertain significance for RYR1-related disorder. Last evaluated: 2024-05-14. Review status: criteria provided, single submitter. Criteria: Invitae Variant Classification Sherloc (09022015). Collection method: clinical testing. Allele origin: germline.
Comment: This sequence change replaces phenylalanine, which is neutral and non-polar, with leucine, which is neutral and non-polar, at codon 1388 of the RYR1 protein (p.Phe1388Leu). The frequency data for this variant in the population databases is considered unreliable, as metrics indicate poor data quality at this position in the gnomAD database. This variant has not been reported in the literature in individuals affected with RYR1-related conditions. Advanced modeling of protein sequence and biophysical properties (such as structural, functional, and spatial information, amino acid conservation, physicochemical variation, residue mobility, and thermodynamic stability) has been performed at Invitae for this missense variant, however the output from this modeling did not meet the statistical confidence thresholds required to predict the impact of this variant on RYR1 protein function. In summary, the available evidence is currently insufficient to determine the role of this variant in disease. Therefore, it has been classified as a Variant of Uncertain Significance.

All of Us Research Program, National Institutes of Health
Classification: Uncertain significance for Malignant hyperthermia, susceptibility to, 1. Last evaluated: 2024-04-25. Review status: criteria provided, single submitter. Criteria: ACMG Guidelines, 2015. Collection method: clinical testing. Allele origin: germline. Inheritance: Autosomal dominant inheritance. Observed: 2 variant alleles, 2 heterozygotes.
Comment: This missense variant replaces phenylalanine with leucine at codon 1388 of the RYR1 protein. Computational prediction is inconclusive regarding the impact of this variant on protein structure and function (internally defined REVEL score threshold 0.5 < inconclusive < 0.7, PMID: 27666373). To our knowledge, functional studies have not been reported for this variant. This variant has not been reported in individuals affected with RYR1-related disorders in the literature. This variant has been identified in 1/204618 chromosomes in the general population by the Genome Aggregation Database (gnomAD). The available evidence is insufficient to determine the role of this variant in disease conclusively. Therefore, this variant is classified as a Variant of Uncertain Significance.

This study involves interpretation of variants in research participants for the purpose of population health screening. Participant phenotype was not available at the time of variant classification. Additional details can be found in publication PMID: 35346344, PMCID: PMC8962531